The following is an entry in ClinVar:

NC_000017.10:g.(41228632_41234420)_(41234593_41242960)dup

Gene: BRCA1 (BRCA1 DNA repair associated; minus strand). Cytogenetic location: 17q21.31.
Variant type: Duplication.
Identifiers: ClinVar variation 989472 (VCV000989472.1).

ClinVar aggregate classification (germline): Likely pathogenic (1 of 4 stars; one submission).

Conditions:
Breast-ovarian cancer, familial, susceptibility to, 1 (BROVCA1). Also called: BRCA1 Hereditary Breast and Ovarian Cancer; OVARIAN CANCER, SUSCEPTIBILITY TO. Identifiers: Orphanet 145, MedGen C2676676, MONDO:0011450, OMIM 604370. Disease mechanism: loss of function.

Submission:

Department of Medical Genetics, Oslo University Hospital
Classification: Likely pathogenic for Breast-ovarian cancer, familial, susceptibility to, 1. Last evaluated: 2015-07-01. Review status: criteria provided, single submitter. Criteria: ACMG Guidelines, 2015. Collection method: clinical testing. Allele origin: germline. Affected: yes. Observed: 41 variant alleles.
Comment: Heterozygous duplication of exon 12 (also known as exon 13)